The following is an entry in ClinVar:

ClinVar aggregate classification (germline): Uncertain significance (1 of 4 stars; one submission).

gnomAD v4.1: 40 of 1,614,060 alleles (0.0025%); highest among the groups gnomAD compares: Admixed American, 0.025%; no homozygotes.

Submission:

GeneDx
Classification: Uncertain significance. Last evaluated: 2026-04-23. Review status: criteria provided, single submitter. Criteria: GeneDx Variant Classification Process June 2021. Collection method: clinical testing. Allele origin: germline.
Comment: In silico analysis suggests that this missense variant does not alter protein structure/function; Has not been previously published as pathogenic or benign to our knowledge

NM_147196.3(TMIE):c.199G>A (p.Val67Met)

Gene: TMIE (transmembrane inner ear; plus strand). Cytogenetic location: 3p21.31.
Variant type: single nucleotide variant.
Coding change: c.199G>A on transcript NM_147196.3 (MANE Select); coding-DNA position 199, G replaced by A.
Protein change: p.Val67Met; replaces valine 67 with methionine.
Molecular consequence: missense variant.
Genome position (GRCh38, 1-based): chr3:46,705,895, G>A. VCF-style: chr3-46705895-G-A. GRCh37 (hg19) VCF-style: chr3-46747385-G-A.
Other names: c.40G>A, p.Val14Met (NM_001370524.1, NM_001370525.1); short protein forms V14M, V67M.
Identifiers: ClinVar variation 5037473 (VCV005037473.1).